The following is an entry in ClinVar:

ClinVar aggregate classification (germline): Uncertain significance (0 of 4 stars; one submission).

Conditions:
MCHR1-related disorder. Also called: MCHR1-related condition.

Submission:

PreventionGenetics, part of Exact Sciences
Classification: Uncertain significance for MCHR1-related condition. Last evaluated: 2024-08-09. Review status: no assertion criteria provided. Collection method: clinical testing. Allele origin: germline.
Comment: The MCHR1 c.1162C>T variant is predicted to result in the amino acid substitution p.Arg388Cys. To our knowledge, this variant has not been reported in the literature. This variant is reported in 0.027% of alleles in individuals of East Asian descent in gnomAD. At this time, the clinical significance of this variant is uncertain due to the absence of conclusive functional and genetic evidence.

NM_005297.4(MCHR1):c.955C>T (p.Arg319Cys)

Gene: MCHR1 (melanin concentrating hormone receptor 1; plus strand). Cytogenetic location: 22q13.2.
Variant type: single nucleotide variant.
Coding change: c.955C>T on transcript NM_005297.4 (MANE Select); coding-DNA position 955, C replaced by T.
Protein change: p.Arg319Cys; replaces arginine 319 with cysteine.
Molecular consequence: missense variant.
Genome position (GRCh38, 1-based): chr22:40,681,821, C>T. VCF-style: chr22-40681821-C-T. GRCh37 (hg19) VCF-style: chr22-41077825-C-T.
Other names: short protein forms R319C.
Identifiers: ClinVar variation 3351451 (VCV003351451.1).
Genomic context (GRCh38, chr22:40,681,821, plus strand): 5'-TTGGGCTATGCCAACAGCTGCCTCAACCCCTTTGTGTACATCGTGCTCTGTGAGACGTTC[C>T]GCAAACGCTTGGTCCTGTCGGTGAAGCCTGCAGCCCAGGGGCAGCTTCGCGCTGTCAGCA-3'
Protein context (NP_005288.4, residues 309-329): FVYIVLCETF[Arg319Cys]KRLVLSVKPA